The following is an entry in ClinVar:

NM_000179.3(MSH6):c.3492G>A (p.Val1164=)

Gene: MSH6 (mutS homolog 6; plus strand). Cytogenetic location: 2p16.3.
Variant type: single nucleotide variant.
Coding change: c.3492G>A on transcript NM_000179.3 (MANE Select); coding-DNA position 3492, G replaced by A.
Protein change: p.Val1164=; no amino-acid change (valine 1164 retained).
Molecular consequence: synonymous variant.
Genome position (GRCh38, 1-based): chr2:47,804,963, G>A. VCF-style: chr2-47804963-G-A. GRCh37 (hg19) VCF-style: chr2-48032102-G-A.
Other names: c.3102G>A, p.Val1034= (NM_001281492.2); c.2586G>A, p.Val862= (NM_001281493.2, NM_001281494.2).
Identifiers: ClinVar variation 416150 (VCV000416150.17), dbSNP rs1060504745, ClinGen allele CA16611053.

ClinVar aggregate classification (germline): Benign/Likely benign. Review status: criteria provided, multiple submitters, no conflicts (2 of 4 stars). 5 submissions from 5 submitters: Benign (1); Likely benign (4). Last evaluated 2025-01-07.

Conditions:
Hereditary nonpolyposis colorectal neoplasms. Identifiers: MedGen C0009405, MeSH D003123.
Lynch syndrome 5 (LYNCH5). Also called: Colorectal cancer, hereditary nonpolyposis, type 5; Hereditary non-polyposis colorectal cancer, type 5. Identifiers: Orphanet 144, MedGen C1833477, MONDO:0013710, OMIM 614350. Disease mechanism: loss of function.
Mismatch repair cancer syndrome 3. Identifiers: MedGen C5436807, MONDO:0030841, OMIM 619097.
Hereditary cancer-predisposing syndrome. Also called: Tumor predisposition; Neoplastic Syndromes, Hereditary; Hereditary neoplastic syndrome; Hereditary Cancer Syndrome. Identifiers: Orphanet 140162, MedGen C0027672, MeSH D009386, MONDO:0015356.

gnomAD v4.1: 1 of 1,614,130 alleles (0.000062%); no homozygotes.

Submissions (5):

Labcorp Genetics (formerly Invitae), Labcorp
Classification: Likely benign for Hereditary nonpolyposis colorectal neoplasms. Last evaluated: 2025-01-07. Review status: criteria provided, single submitter. Criteria: Invitae Variant Classification Sherloc (09022015). Collection method: clinical testing. Allele origin: germline.

Myriad Genetics, Inc.
Classification: Benign for Lynch syndrome 5. Last evaluated: 2025-01-07. Review status: criteria provided, single submitter. Criteria: Myriad Autosomal Dominant, Autosomal Recessive and X-Linked Classification Criteria (2023). Collection method: clinical testing. Allele origin: unknown.
Comment: This variant is considered benign. This variant is a silent/synonymous amino acid change and it is not expected to impact splicing.

Department of Pathology and Laboratory Medicine, Sinai Health System
Classification: Likely benign for Mismatch repair cancer syndrome 3; Lynch syndrome 5. Last evaluated: 2023-09-15. Review status: criteria provided, single submitter. Criteria: ACMG Guidelines, 2015. Collection method: clinical testing. Allele origin: germline. Affected: yes.

Color Diagnostics, LLC DBA Color Health
Classification: Likely benign for Hereditary cancer-predisposing syndrome. Last evaluated: 2022-07-12. Review status: criteria provided, single submitter. Criteria: ACMG Guidelines, 2015. Collection method: clinical testing. Allele origin: germline.

Ambry Genetics
Classification: Likely benign for Hereditary cancer-predisposing syndrome. Last evaluated: 2019-05-20. Review status: criteria provided, single submitter. Criteria: Ambry Variant Classification Scheme 2023. Collection method: clinical testing. Allele origin: germline.